The following is an entry in ClinVar:

NM_015335.5(MED13L):c.5173C>T (p.Gln1725Ter)

Gene: MED13L (mediator complex subunit 13L; minus strand). Cytogenetic location: 12q24.21.
Variant type: single nucleotide variant.
Coding change: c.5173C>T on transcript NM_015335.5 (MANE Select); coding-DNA position 5173, C replaced by T.
Protein change: p.Gln1725Ter; replaces glutamine 1725 with a stop codon.
Molecular consequence: nonsense.
Genome position (GRCh38, 1-based): chr12:115,982,386, G>A on the plus strand (C>T on the coding strand, the complement: MED13L is on the minus strand). VCF-style: chr12-115982386-G-A. GRCh37 (hg19) VCF-style: chr12-116420191-G-A.
Other names: short protein forms Q1725*.
Identifiers: ClinVar variation 431108 (VCV000431108.5), dbSNP rs1135401765, ClinGen allele CA386880949.
Genomic context (GRCh38, chr12:115,982,386, plus strand): 5'-TTTCATAACAACAAAAATAACAACATCAAAAGTAAATAATAAACTTGCAAACAGTAACCT[G>A]GAGAATGAAAGAATTTCTCATATGCTCAGGTAAATTATCCAGCATTTCTGTGTAGCAGCG-3'

ClinVar aggregate classification (germline): Pathogenic. Review status: criteria provided, multiple submitters, no conflicts (2 of 4 stars). 2 submissions from 2 submitters: Pathogenic (2). Last evaluated 2021-08-31.

Conditions:
Cardiac anomalies - developmental delay - facial dysmorphism syndrome (MRFACD). Also called: MED13L Syndrome; Impaired intellectual development and distinctive facial features with or without cardiac defects. Identifiers: Orphanet 369891, MedGen C5192431, MONDO:0014773, OMIM 616789.

Submissions (2):

Laboratorio de Genetica e Diagnostico Molecular, Hospital Israelita Albert Einstein
Classification: Pathogenic. Last evaluated: 2021-08-31. Review status: criteria provided, single submitter. Criteria: ACMG Guidelines, 2015. Collection method: clinical testing. Allele origin: germline. Affected: yes.
Comment: ACMG classification criteria: PVS1, PS4, PM2, PM6

Institute of Human Genetics, FAU Erlangen, Friedrich-Alexander-Universität Erlangen-Nürnberg
Classification: Pathogenic for Cardiac anomalies - developmental delay - facial dysmorphism syndrome. Last evaluated: 2017-08-01. Review status: criteria provided, single submitter. Criteria: ACMG Guidelines, 2015. Collection method: clinical testing. Allele origin: de novo. Inheritance: Sporadic. Affected: yes. Observed: 1 variant allele, 1 heterozygote.